The following is an entry in ClinVar:

ClinVar aggregate classification (germline): Uncertain significance. Review status: criteria provided, multiple submitters, no conflicts (2 of 4 stars). 3 submissions from 3 submitters: Uncertain significance (2). 1 of the submissions does not count toward it. Last evaluated 2025-06-13.

Conditions:
Familial Mediterranean fever (FMF). Also called: POLYSEROSITIS, FAMILIAL PAROXYSMAL; POLYSEROSITIS, RECURRENT; Periodic peritonitis; Benign paroxysmal peritonitis. Identifiers: Orphanet 342, MedGen C0031069, MONDO:0018088, OMIM 249100. Disease mechanism: gain of function.

Allele frequency attached by ClinVar (database versions not stated): gnomAD exomes below 0.00001; TOPMed below 0.00001.

Submissions (3):

Women's Health and Genetics/Laboratory Corporation of America, LabCorp
Classification: Uncertain significance. Last evaluated: 2025-06-13. Review status: criteria provided, single submitter. Criteria: LabCorp Variant Classification Summary - May 2015. Collection method: clinical testing. Allele origin: germline.
Comment: Variant summary: MEFV c.818C>T (p.Ser273Leu) results in a non-conservative amino acid change in the encoded protein sequence. Algorithms developed to predict the effect of missense changes on protein structure and function are either unavailable or do not agree on the potential impact of this missense change. The variant was absent in 251438 control chromosomes (gnomAD). The available data on variant occurrences in the general population are insufficient to allow any conclusion about variant significance. c.818C>T has been observed in heterozygous individuals affected with Familial Mediterranean Fever (Balta_2020). This report does not provide unequivocal conclusions about association of the variant with Familial Mediterranean Fever. To our knowledge, no experimental evidence demonstrating an impact on protein function has been reported. The following publication has been ascertained in the context of this evaluation (PMID: 31989427). ClinVar contains an entry for this variant (Variation ID: 132874). Based on the evidence outlined above, the variant was classified as uncertain significance.

GeneDx
Classification: Uncertain significance. Last evaluated: 2017-06-30. Review status: criteria provided, single submitter. Criteria: GeneDx Variant Classification (06012015). Collection method: clinical testing. Allele origin: germline. Affected: yes.
Comment: The S273L variant has not been published as a pathogenic variant, nor has it been reported as a benign variant to our knowledge. The variant is not observed in large population cohorts (Lek et al., 2016; 1000 Genomes Consortium et al., 2015; Exome Variant Server). S273L is a non-conservative amino acid substitution, which is likely to impact secondary protein structure as these residues differ in polarity, charge, size and/or other properties. However, this substitution occurs at a position that is not conserved, and in silico analysis predicts this variant likely does not alter the protein structure/function. In summary, based on the currently available information, it is unclear whether this variant is a pathogenic variant or a rare benign variant.

Medical Biology Lab,  Gaziantep University
No classification provided. Condition: Familial Mediterranean fever. Review status: no classification provided. Collection method: not provided. Allele origin: somatic. Not counted in ClinVar's aggregate classification.

Literature cited by the submitters: PubMed 31989427 (cited by Women's Health and Genetics/Laboratory Corporation of America, LabCorp).

NM_000243.3(MEFV):c.818C>T (p.Ser273Leu)

Gene: MEFV (MEFV innate immunity regulator, pyrin; minus strand). Cytogenetic location: 16p13.3.
Variant type: single nucleotide variant.
Coding change: c.818C>T on transcript NM_000243.3 (MANE Select); coding-DNA position 818, C replaced by T.
Protein change: p.Ser273Leu; replaces serine 273 with leucine.
Molecular consequence: missense variant. On other transcripts: intron variant (1).
Genome position (GRCh38, 1-based): chr16:3,254,250, G>A on the plus strand (C>T on the coding strand, the complement: MEFV is on the minus strand). VCF-style: chr16-3254250-G-A. GRCh37 (hg19) VCF-style: chr16-3304250-G-A.
Other names: c.277+2061C>T (NM_001198536.2); short protein forms S273L.
Identifiers: ClinVar variation 132874 (VCV000132874.3), dbSNP rs483353019, ClinGen allele CA280893.